The following is an entry in ClinVar:

ClinVar aggregate classification (germline): Pathogenic/Likely pathogenic. Review status: criteria provided, multiple submitters, no conflicts (2 of 4 stars). 3 submissions from 3 submitters: Pathogenic (2); Likely pathogenic (1). Last evaluated 2022-07-01.

Conditions:
Marfan Syndrome/Loeys-Dietz Syndrome/Familial Thoracic Aortic Aneurysms and Dissections. Identifiers: MedGen CN229799.
Marfan syndrome (MFS). Also called: MARFAN SYNDROME, TYPE I; FBN1-Related Marfan Syndrome; Marfan syndrome type 1; Marfan's syndrome; Marfan syndrome, classic. Identifiers: Orphanet 284963, Orphanet 558, MedGen C0024796, MONDO:0007947, OMIM 154700.
Familial thoracic aortic aneurysm and aortic dissection (TAAD). Also called: Thoracic aortic aneurysms and dissections. Identifiers: Orphanet 91387, MedGen C4707243, MONDO:0019625.

Submissions (3):

Labcorp Genetics (formerly Invitae), Labcorp
Classification: Pathogenic for Marfan syndrome; Familial thoracic aortic aneurysm and aortic dissection. Last evaluated: 2022-07-01. Review status: criteria provided, single submitter. Criteria: Invitae Variant Classification Sherloc (09022015). Collection method: clinical testing. Allele origin: germline.
Comment: For these reasons, this variant has been classified as Pathogenic. ClinVar contains an entry for this variant (Variation ID: 495630). This variant has not been reported in the literature in individuals affected with FBN1-related conditions. This variant is not present in population databases (gnomAD no frequency). This sequence change creates a premature translational stop signal (p.Cys1958*) in the FBN1 gene. It is expected to result in an absent or disrupted protein product. Loss-of-function variants in FBN1 are known to be pathogenic (PMID: 17657824, 19293843).

ARUP Laboratories, Molecular Genetics and Genomics, ARUP Laboratories
Classification: Pathogenic. Last evaluated: 2019-03-29. Review status: criteria provided, single submitter. Criteria: ARUP Molecular Germline Variant Investigation Process. Collection method: clinical testing. Allele origin: germline.
Comment: The FBN1 c.5874C>A; p.Cys1958Ter variant, to our knowledge, has not been described in the medical literature but contains an entry in ClinVar (Variation ID: 495630). It is absent from general population databases (Exome Variant Server and Genome Aggregation Database), indicating it is not a common polymorphism. This variant induces an early termination codon and is predicted to result in a truncated protein or mRNA subject to nonsense-mediated decay. Additionally, several downstream truncating variants have been described in association with Marfan syndrome and are considered pathogenic (Stheneur 2009). Based on available information, the p.Cys1958Ter variant is considered pathogenic. REFERENCES Stheneur C et al. Identification of the minimal combination of clinical features in probands for efficient mutation detection in the FBN1 gene. Eur J Hum Genet. 2009 Sep;17(9):1121-8.

Women's Health and Genetics/Laboratory Corporation of America, LabCorp
Classification: Likely pathogenic for Marfan Syndrome/Loeys-Dietz Syndrome/Familial Thoracic Aortic Aneurysms and Dissections. Last evaluated: 2016-05-10. Review status: criteria provided, single submitter. Criteria: LabCorp Variant Classification Summary - May 2015. Collection method: clinical testing. Allele origin: germline.
Comment: Variant summary: The FBN1 c.5874C>A (p.Cys1958*) variant results in a premature termination codon and predicted to cause a truncated or absent FBN1 protein due to nonsense mediated decay, which are commonly known mechanisms for disease. This variant is absent in 121166 control chromosomes. The variant of interest has not, to our knowledge, been reported in affected individuals via publications and/or reputable databases/clinical diagnostic laboratories, nor was evaluated for functional impact by in vivo/vitro studies. Taken together, this variant is classified as Likely Pathogenic.

Literature cited by the submitters: PubMed 17657824 (cited by Labcorp Genetics (formerly Invitae), Labcorp); PubMed 19293843 (cited by Labcorp Genetics (formerly Invitae), Labcorp).

NM_000138.5(FBN1):c.5874C>A (p.Cys1958Ter)

Gene: FBN1 (fibrillin 1; minus strand). Cytogenetic location: 15q21.1.
Variant type: single nucleotide variant.
Coding change: c.5874C>A on transcript NM_000138.5 (MANE Select); coding-DNA position 5874, C replaced by A.
Protein change: p.Cys1958Ter; replaces cysteine 1958 with a stop codon.
Molecular consequence: nonsense.
Genome position (GRCh38, 1-based): chr15:48,445,419, G>T on the plus strand (C>A on the coding strand, the complement: FBN1 is on the minus strand). VCF-style: chr15-48445419-G-T. GRCh37 (hg19) VCF-style: chr15-48737616-G-T.
Other names: short protein forms C1958*.
Identifiers: ClinVar variation 495630 (VCV000495630.15), dbSNP rs1555395750, ClinGen allele CA392340013.
Genomic context (GRCh38, chr15:48,445,419, plus strand): 5'-CTAAGTCCTGTACTTACCCACACAGGTCCTCCCATCTGGAGCCACCTCATAGCCTTCATT[G>T]CACTGGCACTGGAAAGACCCCACTGTATTAATGCATTGGCCATTTCTGCAAAGATTCCCA-3'